The following is an entry in ClinVar:

ClinVar aggregate classification (germline): Uncertain significance (1 of 4 stars; one submission).

Conditions:
Primary ciliary dyskinesia 23 (CILD23). Also called: CILIARY DYSKINESIA, PRIMARY, 23, WITH OR WITHOUT SITUS INVERSUS. Identifiers: Orphanet 244, MedGen C3809548, MONDO:0014193, OMIM 615451.

Allele frequency attached by ClinVar (database versions not stated): TOPMed below 0.00001; gnomAD 0.00001.
gnomAD v4.1: 7 of 1,614,024 alleles (0.00043%); highest among the groups gnomAD compares: Non-Finnish European, 0.00059%; no homozygotes.

Submission:

Labcorp Genetics (formerly Invitae), Labcorp
Classification: Uncertain significance for Primary ciliary dyskinesia 23. Last evaluated: 2021-07-30. Review status: criteria provided, single submitter. Criteria: Invitae Variant Classification Sherloc (09022015). Collection method: clinical testing. Allele origin: germline.
Comment: In summary, the available evidence is currently insufficient to determine the role of this variant in disease. Therefore, it has been classified as a Variant of Uncertain Significance. Algorithms developed to predict the effect of missense changes on protein structure and function are either unavailable or do not agree on the potential impact of this missense change (SIFT: "Deleterious"; PolyPhen-2: "Probably Damaging"; Align-GVGD: "Class C0"). This variant has not been reported in the literature in individuals affected with ARMC4-related conditions. This variant is not present in population databases (ExAC no frequency). This sequence change replaces proline with glutamine at codon 56 of the ARMC4 protein (p.Pro56Gln). The proline residue is moderately conserved and there is a moderate physicochemical difference between proline and glutamine.

NM_018076.5(ODAD2):c.167C>A (p.Pro56Gln)

Genes: ODAD2 (outer dynein arm docking complex subunit 2; minus strand), LOC126860891 (CDK7 strongly-dependent group 2 enhancer GRCh37_chr10:28283413-28284612; plus strand). Cytogenetic location: 10p12.1.
Variant type: single nucleotide variant.
Coding change: c.167C>A on transcript NM_018076.5 (MANE Select); coding-DNA position 167, C replaced by A.
Protein change: p.Pro56Gln; replaces proline 56 with glutamine.
Molecular consequence: missense variant.
Genome position (GRCh38, 1-based): chr10:27,994,976, G>T on the plus strand (C>A on the coding strand, the complement: ODAD2 is on the minus strand). VCF-style: chr10-27994976-G-T. GRCh37 (hg19) VCF-style: chr10-28283905-G-T.
Other names: c.167C>A, p.Pro56Gln (NM_001290020.2); short protein forms P56Q.
Identifiers: ClinVar variation 1681402 (VCV001681402.6), dbSNP rs775110392, ClinGen allele CA204535861.